The following is an entry in ClinVar:

NM_001999.4(FBN2):c.111G>A (p.Pro37=)

Gene: FBN2 (fibrillin 2; minus strand). Cytogenetic location: 5q23.3.
Variant type: single nucleotide variant.
Coding change: c.111G>A on transcript NM_001999.4 (MANE Select); coding-DNA position 111, G replaced by A.
Protein change: p.Pro37=; no amino-acid change (proline 37 retained).
Molecular consequence: synonymous variant.
Genome position (GRCh38, 1-based): chr5:128,537,493, C>T on the plus strand (G>A on the coding strand, the complement: FBN2 is on the minus strand). VCF-style: chr5-128537493-C-T. GRCh37 (hg19) VCF-style: chr5-127873186-C-T.
Other names: p.P37P:CCG>CCA; p.Pro37=.
Identifiers: ClinVar variation 129034 (VCV000129034.43), dbSNP rs55715053, ClinGen allele CA152819.
Genomic context (GRCh38, chr5:128,537,493, plus strand): 5'-CCCGCCTTCAGAGCCTGCTGTAGCGGACCGAACCTGTTGCGGCGGCGGCTGGGGCCGGGG[C>T]GGCTTGGGCGGAGGAGGCTGAGGCTGGCCGGCCGTGCCCTGCGCCCAGAGCACCACACAG-3'
Protein context (NP_001990.2, residues 27-47): AGQPQPPPPK[Pro37=]PRPQPPPQQV

ClinVar aggregate classification (germline): Benign. Review status: criteria provided, multiple submitters, no conflicts (2 of 4 stars). 13 submissions from 13 submitters: Benign (11). 2 of the submissions do not count toward it. Last evaluated 2026-02-04.

Conditions:
Familial thoracic aortic aneurysm and aortic dissection (TAAD). Also called: Thoracic aortic aneurysms and dissections. Identifiers: Orphanet 91387, MedGen C4707243, MONDO:0019625.
Congenital contractural arachnodactyly (CCA). Also called: Arthrogryposis, distal, type 9; Beals-Hecht syndrome; BEALS SYNDROME. Identifiers: Orphanet 115, MedGen C0220668, MONDO:0007363, OMIM 121050.

Allele frequency attached by ClinVar (database versions not stated): ExAC 0.11743; gnomAD 0.13775 and 0.14249; 1000 Genomes Project 0.13778; 1000 Genomes Project 30x 0.13851; TOPMed 0.14066; ESP Exome Variant Server 0.14494.
gnomAD v4.1: 145,584 of 1,584,512 alleles (9.2%); highest among the groups gnomAD compares: African/African-American, 29%; 8,490 homozygotes.

Submissions (13):

Labcorp Genetics (formerly Invitae), Labcorp
Classification: Benign for Congenital contractural arachnodactyly. Last evaluated: 2026-02-04. Review status: criteria provided, single submitter. Criteria: Invitae Variant Classification Sherloc (09022015). Collection method: clinical testing. Allele origin: germline.

ARUP Laboratories, Molecular Genetics and Genomics, ARUP Laboratories
Classification: Benign. Last evaluated: 2025-07-29. Review status: criteria provided, single submitter. Criteria: ARUP Molecular Germline Variant Investigation Process 2024. Collection method: clinical testing. Allele origin: germline.

Blueprint Genetics
Classification: Benign. Last evaluated: 2024-11-26. Review status: criteria provided, single submitter. Criteria: ACMG Guidelines, 2015. Collection method: clinical testing. Allele origin: germline.

Women's Health and Genetics/Laboratory Corporation of America, LabCorp
Classification: Benign. Last evaluated: 2023-04-10. Review status: criteria provided, single submitter. Criteria: LabCorp Variant Classification Summary - May 2015. Collection method: clinical testing. Allele origin: germline.

Illumina Laboratory Services, Illumina
Classification: Benign for Congenital contractural arachnodactyly. Last evaluated: 2018-01-12. Review status: criteria provided, single submitter. Criteria: ICSL Variant Classification Criteria 13 December 2019. Collection method: clinical testing. Allele origin: germline.
Comment: This variant was observed in the ICSL laboratory as part of a predisposition screen in an ostensibly healthy population. It had not been previously curated by ICSL or reported in the Human Gene Mutation Database (HGMD: prior to June 1st, 2018), and was therefore a candidate for classification through an automated scoring system. Utilizing variant allele frequency, disease prevalence and penetrance estimates, and inheritance mode, an automated score was calculated to assess if this variant is too frequent to cause the disease. Based on the score and internal cut-off values, a variant classified as benign is not then subjected to further curation. The score for this variant resulted in a classification of benign for this disease.

Genome Diagnostics Laboratory, University Medical Center Utrecht
Classification: Benign for Congenital contractural arachnodactyly. Last evaluated: 2017-07-28. Review status: criteria provided, single submitter. Criteria: ACGS Guidelines, 2013. Collection method: clinical testing. Allele origin: germline. Affected: yes. Study: VKGL Data-share Consensus.

Ambry Genetics
Classification: Benign for Familial thoracic aortic aneurysm and aortic dissection. Last evaluated: 2015-01-27. Review status: criteria provided, single submitter. Criteria: Ambry Variant Classification Scheme 2023. Collection method: clinical testing. Allele origin: germline.

Mayo Clinic Laboratories, Mayo Clinic
Classification: Benign. Last evaluated: 2014-02-13. Review status: criteria provided, single submitter. Criteria: ACMG Guidelines, 2015. Collection method: clinical testing. Allele origin: germline. Observed: 273 variant alleles.

Laboratory for Molecular Medicine, Mass General Brigham Personalized Medicine
Classification: Benign. Last evaluated: 2013-04-04. Review status: criteria provided, single submitter. Criteria: LMM Criteria. Collection method: clinical testing. Allele origin: germline. Observed: 2 variant alleles.
Comment: Pro37Pro in exon 1 of FBN2: This variant is not expected to have clinical signif icance because it does not alter an amino acid residue and is not located within the splice consensus sequence. It has been identified in 26.1% (1123/4298) of A frican American chromosomes from a broad population by the NHLBI Exome Sequencin g Project (dbSNP rs55715053).

GeneDx
Classification: Benign. Last evaluated: 2012-11-16. Review status: criteria provided, single submitter. Criteria: GeneDx Variant Classification (06012015). Collection method: clinical testing. Allele origin: germline. Affected: yes.
Comment: This variant is considered likely benign or benign based on one or more of the following criteria: it is a conservative change, it occurs at a poorly conserved position in the protein, it is predicted to be benign by multiple in silico algorithms, and/or has population frequency not consistent with disease.

PreventionGenetics, part of Exact Sciences
Classification: Benign. Review status: criteria provided, single submitter. Criteria: ACMG Guidelines, 2015. Collection method: clinical testing. Allele origin: germline.

Genome Diagnostics Laboratory, Amsterdam University Medical Center
Classification: Benign for Congenital contractural arachnodactyly. Last evaluated: 2014-11-19. Review status: no assertion criteria provided. Criteria: ACGS Guidelines, 2013. Collection method: clinical testing. Allele origin: germline. Affected: yes. Study: VKGL Data-share Consensus. Not counted in ClinVar's aggregate classification.

Genetic Services Laboratory, University of Chicago
Classification: Likely benign for AllHighlyPenetrant. Review status: no assertion criteria provided. Collection method: clinical testing. Allele origin: germline. Inheritance: Autosomal dominant inheritance. Not counted in ClinVar's aggregate classification.
Comment: Likely benign based on allele frequency in 1000 Genomes Project or ESP global frequency and its presence in a patient with a rare or unrelated disease phenotype. NOT Sanger confirmed.